The following is an entry in ClinVar:

NM_002230.4(JUP):c.1549C>T (p.Pro517Ser)

Gene: JUP (junction plakoglobin; minus strand). Cytogenetic location: 17q21.2.
Variant type: single nucleotide variant.
Coding change: c.1549C>T on transcript NM_002230.4 (MANE Select); coding-DNA position 1549, C replaced by T.
Protein change: p.Pro517Ser; replaces proline 517 with serine.
Molecular consequence: missense variant.
Genome position (GRCh38, 1-based): chr17:41,758,819, G>A on the plus strand (C>T on the coding strand, the complement: JUP is on the minus strand). VCF-style: chr17-41758819-G-A. GRCh37 (hg19) VCF-style: chr17-39915071-G-A.
Other names: c.1549C>T, p.Pro517Ser (NM_001352773.2, NM_001352774.2, NM_001352775.2 and 3 more transcripts); short protein forms P517S.
Identifiers: ClinVar variation 2935646 (VCV002935646.3), dbSNP rs2544056891, ClinGen allele CA399493961.
Genomic context (GRCh38, chr17:41,758,819, plus strand): 5'-CCTGGTGGGCCTTCACCAGCAGTTGGACGAGGCGGGGGATGACCGCTGCCTCCTGCAGCG[G>A]GGCATGGTTGGCTGGGCACAGGGCCAGATTCCTGATCAAGCCGATGGTTGCCTGGCAAAA-3'
Protein context (NP_002221.1, residues 507-527): NLALCPANHA[Pro517Ser]LQEAAVIPRL

ClinVar aggregate classification (germline): Uncertain significance (1 of 4 stars; one submission).

Conditions:
Arrhythmogenic right ventricular dysplasia 12. Also called: ARRHYTHMOGENIC RIGHT VENTRICULAR DYSPLASIA, FAMILIAL, 12. Identifiers: MedGen C1969081, MONDO:0012684, OMIM 611528.
Naxos disease (NXD). Also called: KERATOSIS PALMOPLANTARIS WITH ARRHYTHMOGENIC CARDIOMYOPATHY; MAL DE NAXOS; PALMOPLANTAR KERATODERMA WITH ARRHYTHMOGENIC RIGHT VENTRICULAR CARDIOMYOPATHY AND WOOLLY HAIR; WOOLLY HAIR, PALMOPLANTAR KERATODERMA, AND CARDIAC ABNORMALITIES; CARDIOMYOPATHY, ARRHYTHMOGENIC RIGHT VENTRICULAR, WITH SKIN, HAIR, AND NAIL ABNORMALITIES. Identifiers: Orphanet 34217, MedGen C1832600, MONDO:0011017, OMIM 601214.

Submission:

Labcorp Genetics (formerly Invitae), Labcorp
Classification: Uncertain significance for Arrhythmogenic right ventricular dysplasia 12; Naxos disease. Last evaluated: 2023-10-04. Review status: criteria provided, single submitter. Criteria: Invitae Variant Classification Sherloc (09022015). Collection method: clinical testing. Allele origin: germline.
Comment: This sequence change replaces proline, which is neutral and non-polar, with serine, which is neutral and polar, at codon 517 of the JUP protein (p.Pro517Ser). This variant is not present in population databases (gnomAD no frequency). This variant has not been reported in the literature in individuals affected with JUP-related conditions. An algorithm developed to predict the effect of missense changes on protein structure and function (PolyPhen-2) suggests that this variant is likely to be tolerated. In summary, the available evidence is currently insufficient to determine the role of this variant in disease. Therefore, it has been classified as a Variant of Uncertain Significance.